The following is an entry in ClinVar:

ClinVar aggregate classification (germline): Uncertain significance (1 of 4 stars; one submission).

Conditions:
Congenital muscular dystrophy due to integrin alpha-7 deficiency. Also called: Congenital muscular dystrophy with integrin alpha-7 deficiency; Muscular dystrophy, congenital, due to ITGA7 deficiency; MYOPATHY, CONGENITAL, DUE TO INTEGRIN ALPHA-7 DEFICIENCY. Identifiers: Orphanet 34520, MedGen C2750786, MONDO:0013177, OMIM 613204.

Allele frequency attached by ClinVar (database versions not stated): gnomAD exomes below 0.00001; gnomAD 0.00001; TOPMed 0.00001; ExAC 0.00002.
gnomAD v4.1: 2 of 1,592,222 alleles (0.00013%); highest among the groups gnomAD compares: African/African-American, 0.0027%; no homozygotes.

Submission:

Labcorp Genetics (formerly Invitae), Labcorp
Classification: Uncertain significance for Congenital muscular dystrophy due to integrin alpha-7 deficiency. Last evaluated: 2022-10-25. Review status: criteria provided, single submitter. Criteria: Invitae Variant Classification Sherloc (09022015). Collection method: clinical testing. Allele origin: germline.
Comment: This sequence change replaces tryptophan, which is neutral and slightly polar, with leucine, which is neutral and non-polar, at codon 10 of the ITGA7 protein (p.Trp10Leu). The frequency data for this variant in the population databases is considered unreliable, as metrics indicate poor data quality at this position in the gnomAD database. This variant has not been reported in the literature in individuals affected with ITGA7-related conditions. ClinVar contains an entry for this variant (Variation ID: 653836). Algorithms developed to predict the effect of missense changes on protein structure and function output the following: SIFT: "Tolerated"; PolyPhen-2: "Benign"; Align-GVGD: "Class C0". The leucine amino acid residue is found in multiple mammalian species, which suggests that this missense change does not adversely affect protein function. In summary, the available evidence is currently insufficient to determine the role of this variant in disease. Therefore, it has been classified as a Variant of Uncertain Significance.

NM_002206.3(ITGA7):c.29G>T (p.Trp10Leu)

Gene: ITGA7 (integrin subunit alpha 7; minus strand). Cytogenetic location: 12q13.2.
Variant type: single nucleotide variant.
Coding change: c.29G>T on transcript NM_002206.3 (MANE Select); coding-DNA position 29, G replaced by T.
Protein change: p.Trp10Leu; replaces tryptophan 10 with leucine.
Molecular consequence: missense variant. On other transcripts: 5 prime UTR variant (1), intron variant (3).
Genome position (GRCh38, 1-based): chr12:55,707,654, C>A on the plus strand (G>T on the coding strand, the complement: ITGA7 is on the minus strand). VCF-style: chr12-55707654-C-A. GRCh37 (hg19) VCF-style: chr12-56101438-C-A.
Other names: c.29G>T, p.Trp10Leu (NM_001144996.2, NM_001374465.1, NM_001410977.1 and 6 more transcripts); c.-1144G>T (NM_001367994.1); c.85+4409G>T (NM_001144997.2); c.-134+4409G>T (NM_001367993.1, NM_001414035.1); short protein forms W10L.
Identifiers: ClinVar variation 653836 (VCV000653836.6), dbSNP rs775325159, ClinGen allele CA6616476.